The following is an entry in ClinVar:

NM_178335.3(CCDC50):c.773T>A (p.Ile258Asn)

Gene: CCDC50 (coiled-coil domain containing 50; plus strand). Cytogenetic location: 3q28.
Variant type: single nucleotide variant.
Coding change: c.773T>A on transcript NM_178335.3 (MANE Select); coding-DNA position 773, T replaced by A.
Protein change: p.Ile258Asn; replaces isoleucine 258 with asparagine.
Molecular consequence: missense variant. On other transcripts: intron variant (1).
Genome position (GRCh38, 1-based): chr3:191,375,386, T>A. VCF-style: chr3-191375386-T-A. GRCh37 (hg19) VCF-style: chr3-191093175-T-A.
Other names: c.449-4773T>A (NM_174908.4); short protein forms I258N.
Identifiers: ClinVar variation 48158 (VCV000048158.17), dbSNP rs2028574, ClinGen allele CA142721.
Genomic context (GRCh38, chr3:191,375,386, plus strand): 5'-TTCCCACGATCAGTGGTGAAGTGTTTCTGAGCACTGAATGTGATGACTGGGAGACTAAGA[T>A]TAACCATCAGACTCGAAATTGGGAAAAACAGTCTCGACACCAAGATCGACTTTCACCCAA-3'
Protein context (NP_848018.1, residues 248-268): STECDDWETK[Ile258Asn]NHQTRNWEKQ

ClinVar aggregate classification (germline): Benign. Review status: criteria provided, multiple submitters, no conflicts (2 of 4 stars). 7 submissions from 7 submitters: Benign (7). Last evaluated 2026-02-03.

Conditions:
Autosomal dominant nonsyndromic hearing loss 44. Identifiers: Orphanet 90635, MedGen C1843895, MONDO:0011832, OMIM 607453.

Allele frequency attached by ClinVar (database versions not stated): gnomAD exomes 0.40013; gnomAD 0.48513 and 0.49112; ESP Exome Variant Server 0.48893; 1000 Genomes Project 0.50160; TOPMed 0.50308; 1000 Genomes Project 30x 0.51296.
gnomAD v4.1: 658,980 of 1,613,192 alleles (41%); highest among the groups gnomAD compares: African/African-American, 68%; 138,251 homozygotes.

Submissions (7):

Labcorp Genetics (formerly Invitae), Labcorp
Classification: Benign. Last evaluated: 2026-02-03. Review status: criteria provided, single submitter. Criteria: Invitae Variant Classification Sherloc (09022015). Collection method: clinical testing. Allele origin: germline.

Genome-Nilou Lab
Classification: Benign for Autosomal dominant nonsyndromic hearing loss 44. Last evaluated: 2021-07-14. Review status: criteria provided, single submitter. Criteria: ACMG Guidelines, 2015. Collection method: clinical testing. Allele origin: germline. Affected: no.

Mayo Clinic Laboratories, Mayo Clinic
Classification: Benign. Last evaluated: 2019-06-24. Review status: criteria provided, single submitter. Criteria: ACMG Guidelines, 2015. Collection method: clinical testing. Allele origin: germline. Observed: 108 variant alleles.

GeneDx
Classification: Benign. Last evaluated: 2017-05-09. Review status: criteria provided, single submitter. Criteria: GeneDx Variant Classification (06012015). Collection method: clinical testing. Allele origin: germline. Affected: yes.
Comment: This variant is considered likely benign or benign based on one or more of the following criteria: it is a conservative change, it occurs at a poorly conserved position in the protein, it is predicted to be benign by multiple in silico algorithms, and/or has population frequency not consistent with disease.

Laboratory for Molecular Medicine, Mass General Brigham Personalized Medicine
Classification: Benign. Last evaluated: 2012-05-07. Review status: criteria provided, single submitter. Criteria: LMM Criteria. Collection method: clinical testing. Allele origin: germline. Observed: 1,121 variant alleles.
Comment: Ile258Asn in Exon 06 of CCDC50: This variant is not expected to have clinical si gnificance because it has been identified in 39.5% (2775/7020) of European Ameri can chromosomes from a broad population by the NHLBI Exome Sequencing Project (dbSNP rs2028574).

Breakthrough Genomics
Classification: Benign. Review status: criteria provided, single submitter. Criteria: ACMG Guidelines, 2015. Collection method: not provided. Allele origin: germline. Inheritance: Autosomal dominant inheritance. Affected: yes.

PreventionGenetics, part of Exact Sciences
Classification: Benign. Review status: criteria provided, single submitter. Criteria: ACMG Guidelines, 2015. Collection method: clinical testing. Allele origin: germline.